The following is an entry in ClinVar:

NM_025114.4(CEP290):c.3905A>C (p.Gln1302Pro)

Gene: CEP290 (centrosomal protein 290; minus strand). Cytogenetic location: 12q21.32.
Variant type: single nucleotide variant.
Coding change: c.3905A>C on transcript NM_025114.4 (MANE Select); coding-DNA position 3905, A replaced by C.
Protein change: p.Gln1302Pro; replaces glutamine 1302 with proline.
Molecular consequence: missense variant.
Genome position (GRCh38, 1-based): chr12:88,089,156, T>G on the plus strand (A>C on the coding strand, the complement: CEP290 is on the minus strand). VCF-style: chr12-88089156-T-G. GRCh37 (hg19) VCF-style: chr12-88482933-T-G.
Other names: short protein forms Q1302P.
Identifiers: ClinVar variation 420705 (VCV000420705.3), dbSNP rs1064794650, ClinGen allele CA16619600.
Genomic context (GRCh38, chr12:88,089,156, plus strand): 5'-TCCATCTCCAATGTTTTGTTCTCCATATTTCTATGTTCTTGTTGAGAATTTTTCATTTCT[T>G]GCATTATCTTAAGTTTGTCATTTTGTAGTTGAATCATTGTTTTGGAGAACTTTTCCTGTT-3'
Protein context (NP_079390.3, residues 1292-1312): QLQNDKLKIM[Gln1302Pro]EMKNSQQEHR

ClinVar aggregate classification (germline): Uncertain significance. Review status: criteria provided, single submitter (1 of 4 stars). 2 submissions from 2 submitters: Uncertain significance (1). 1 of the submissions does not count toward it. Last evaluated 2016-03-15.

Conditions:
Leber congenital amaurosis (LCA). Also called: Leber's amaurosis. Identifiers: Orphanet 65, MedGen C0339527, MeSH D057130, MONDO:0018998.

Allele frequency attached by ClinVar (database versions not stated): gnomAD exomes below 0.00001.
gnomAD v4.1: 1 of 1,604,176 alleles (0.000062%); no homozygotes.

Submissions (2):

GeneDx
Classification: Uncertain significance. Last evaluated: 2016-03-15. Review status: criteria provided, single submitter. Criteria: GeneDx Variant Classification (06012015). Collection method: clinical testing. Allele origin: germline. Affected: yes.
Comment: The Q1302P variant in the CEP290 gene has not been reported previously as a pathogenic variant, nor as a benign variant, to our knowledge. The Q1302P variant was not observed in approximately 5,800 individuals of European and African American ancestry in the NHLBI Exome Sequencing Project, indicating it is not a common benign variant in these populations. The Q1302P variant is a non-conservative amino acid substitution, which is likely to impact secondary protein structure as these residues differ in polarity, charge, size and/or other properties. This substitution occurs at a position that is not conserved across species. In silico analysis is inconsistent in its predictions as to whether or not the variant is damaging to the protein structure/function. We interpret Q1302P as a variant of uncertain significance.

Natera, Inc.
Classification: Uncertain significance for Leber congenital amaurosis. Last evaluated: 2020-09-16. Review status: no assertion criteria provided. Collection method: clinical testing. Allele origin: germline. Not counted in ClinVar's aggregate classification.